The following is an entry in ClinVar:

NM_012144.4(DNAI1):c.1352T>A (p.Phe451Tyr)

Gene: DNAI1 (dynein axonemal intermediate chain 1; plus strand). Cytogenetic location: 9p13.3.
Variant type: single nucleotide variant.
Coding change: c.1352T>A on transcript NM_012144.4 (MANE Select); coding-DNA position 1352, T replaced by A.
Protein change: p.Phe451Tyr; replaces phenylalanine 451 with tyrosine.
Molecular consequence: missense variant.
Genome position (GRCh38, 1-based): chr9:34,512,149, T>A. VCF-style: chr9-34512149-T-A. GRCh37 (hg19) VCF-style: chr9-34512147-T-A.
Other names: c.1364T>A, p.Phe455Tyr (NM_001281428.2); short protein forms F451Y, F455Y.
Identifiers: ClinVar variation 572600 (VCV000572600.11), dbSNP rs148810969, ClinGen allele CA5034362.

ClinVar aggregate classification (germline): Conflicting classifications of pathogenicity. Review status: criteria provided, conflicting classifications (1 of 4 stars). 3 submissions from 2 submitters: Pathogenic (1); Likely pathogenic (1); Uncertain significance (1). Last evaluated 2026-06-05.

Conditions:
Kartagener syndrome (CILD1). Also called: CILIARY DYSKINESIA, PRIMARY, 1; CILIARY DYSKINESIA, PRIMARY, 1, WITH OR WITHOUT SITUS INVERSUS; IMMOTILE CILIA SYNDROME; POLYNESIAN BRONCHIECTASIS; Dextrocardia bronchiectasis and sinusitis; SIEWERT SYNDROME. Identifiers: Orphanet 244, MedGen C4551906, MONDO:0009484, OMIM 244400.
Primary ciliary dyskinesia. Also called: Ciliary dyskinesia. Identifiers: Orphanet 244, MedGen C0008780, MONDO:0016575, HP:0012265.

Allele frequency attached by ClinVar (database versions not stated): gnomAD exomes below 0.00001; ExAC 0.00001; gnomAD 0.00001; TOPMed 0.00002.

Submissions (3):

Department of Human Genetics, Hannover Medical School
Classification: Likely pathogenic for Kartagener syndrome. Last evaluated: 2026-06-05. Review status: criteria provided, single submitter. Criteria: ACMG Guidelines, 2015. Collection method: clinical testing. Allele origin: germline. Affected: yes.
Comment: PM2 supporting, PM3, PP3, PP4 moderate

Department of Human Genetics, Hannover Medical School
Classification: Uncertain significance for Primary Ciliary Dyskinesia. Last evaluated: 2026-04-01. Review status: criteria provided, single submitter. Criteria: ACMG Guidelines, 2015. Collection method: research. Allele origin: germline. Affected: yes.
Comment: Classification performed by HerediClassify using the following criteria:['PM2_supporting: Variant occures does not occur as homozygous in gnomAD.', 'PP3_protein_supporting: Variant is predicted to be pathogenic by REVEL with evidence strength supporting.', "PP4_moderate: The modified PICADAR socre of 4.0 exceeds threshold of 3 achieving 'moderate' evidence strength."]

Labcorp Genetics (formerly Invitae), Labcorp
Classification: Pathogenic for Primary ciliary dyskinesia. Last evaluated: 2025-04-17. Review status: criteria provided, single submitter. Criteria: Invitae Variant Classification Sherloc (09022015). Collection method: clinical testing. Allele origin: germline.
Comment: This sequence change replaces phenylalanine, which is neutral and non-polar, with tyrosine, which is neutral and polar, at codon 451 of the DNAI1 protein (p.Phe451Tyr). This variant is present in population databases (rs148810969, gnomAD 0.0009%). This missense change has been observed in individual(s) with primary ciliary dyskinesia (PCD) (PMID: 31650533; internal data). In at least one individual the data is consistent with being in trans (on the opposite chromosome) from a pathogenic variant. ClinVar contains an entry for this variant (Variation ID: 572600). Invitae Evidence Modeling of protein sequence and biophysical properties (such as structural, functional, and spatial information, amino acid conservation, physicochemical variation, residue mobility, and thermodynamic stability) has been performed for this missense variant. However, the output from this modeling did not meet the statistical confidence thresholds required to predict the impact of this variant on DNAI1 protein function. For these reasons, this variant has been classified as Pathogenic.

Literature cited by the submitters: PubMed 31650533 (cited by Labcorp Genetics (formerly Invitae), Labcorp).